The following is an entry in ClinVar:

NM_032242.4(PLXNA1):c.2241C>A (p.His747Gln)

Gene: PLXNA1 (plexin A1; plus strand). Cytogenetic location: 3q21.3.
Variant type: single nucleotide variant.
Coding change: c.2241C>A on transcript NM_032242.4 (MANE Select); coding-DNA position 2241, C replaced by A.
Protein change: p.His747Gln; replaces histidine 747 with glutamine.
Molecular consequence: missense variant.
Genome position (GRCh38, 1-based): chr3:127,012,086, C>A. VCF-style: chr3-127012086-C-A. GRCh37 (hg19) VCF-style: chr3-126730929-C-A.
Other names: short protein forms H747Q.
Identifiers: ClinVar variation 4823525 (VCV004823525.4).

ClinVar aggregate classification (germline): Uncertain significance (1 of 4 stars; one submission).

Submission:

CeGaT Center for Human Genetics Tuebingen
Classification: Uncertain significance. Last evaluated: 2026-03-01. Review status: criteria provided, single submitter. Criteria: CeGaT Center For Human Genetics Tuebingen Variant Classification Criteria Version 2. Collection method: clinical testing. Allele origin: germline. Affected: yes. Observed: 1 variant allele.
Comment: PLXNA1: PM2